The following is an entry in ClinVar:

ClinVar aggregate classification (germline): Likely benign. Review status: criteria provided, single submitter (1 of 4 stars). 2 submissions from 2 submitters: Likely benign (1). 1 of the submissions does not count toward it. Last evaluated 2024-11-06.

Conditions:
COG6-related disorder.

Allele frequency attached by ClinVar (database versions not stated): 1000 Genomes Project 30x 0.00078; gnomAD 0.00020; TOPMed 0.00007; 1000 Genomes Project 0.00080; ExAC 0.00131.
gnomAD v4.1: 425 of 1,551,790 alleles (0.027%); highest among the groups gnomAD compares: South Asian, 0.44%; 1 homozygote.

Submissions (2):

Blueprint Genetics
Classification: Likely benign. Last evaluated: 2024-11-06. Review status: criteria provided, single submitter. Criteria: ACMG Guidelines, 2015. Collection method: clinical testing. Allele origin: germline.

PreventionGenetics, part of Exact Sciences
Classification: Likely benign for COG6-related condition. Last evaluated: 2024-01-26. Review status: no assertion criteria provided. Collection method: clinical testing. Allele origin: germline. Not counted in ClinVar's aggregate classification.
Comment: This variant is classified as likely benign based on ACMG/AMP sequence variant interpretation guidelines (Richards et al. 2015 PMID: 25741868, with internal and published modifications).

NM_001145079.2(COG6):c.1839C>T (p.Asn613=)

Gene: COG6 (component of oligomeric golgi complex 6; plus strand). Cytogenetic location: 13q14.11.
Variant type: single nucleotide variant.
Coding change: c.1839C>T on transcript NM_001145079.2; coding-DNA position 1839, C replaced by T.
Protein change: p.Asn613=; no amino-acid change (asparagine 613 retained).
Molecular consequence: synonymous variant.
Genome position (GRCh38, 1-based): chr13:39,788,347, C>T. VCF-style: chr13-39788347-C-T. GRCh37 (hg19) VCF-style: chr13-40362484-C-T.
Identifiers: ClinVar variation 3034890 (VCV003034890.3), dbSNP rs373229917, ClinGen allele CA6958941.